The following is an entry in ClinVar:

NM_198282.4(STING1):c.946+6G>A

Gene: STING1 (stimulator of interferon response cGAMP interactor 1; minus strand). Cytogenetic location: 5q31.2.
Variant type: single nucleotide variant.
Coding change: c.946+6G>A on transcript NM_198282.4 (MANE Select); 6 bases into the intron after coding-DNA position 946, G replaced by A.
Molecular consequence: intron variant.
Genome position (GRCh38, 1-based): chr5:139,477,323, C>T on the plus strand (G>A on the coding strand, the complement: STING1 is on the minus strand). VCF-style: chr5-139477323-C-T. GRCh37 (hg19) VCF-style: chr5-138856908-C-T.
Other names: c.589+6G>A (NM_001367258.1); c.760-869G>A (NM_001301738.2).
Identifiers: ClinVar variation 1981904 (VCV001981904.4), dbSNP rs768799195, ClinGen allele CA563462719.

ClinVar aggregate classification (germline): Uncertain significance (1 of 4 stars; one submission).

Conditions:
STING-associated vasculopathy with onset in infancy. Also called: Sting-associated vasculopathy, infantile-onset. Identifiers: Orphanet 425120, MedGen C4014722, MONDO:0014405, OMIM 615934.

gnomAD v4.1: 5 of 1,613,208 alleles (0.00031%); highest among the groups gnomAD compares: African/African-American, 0.0067%; no homozygotes.

Submission:

Labcorp Genetics (formerly Invitae), Labcorp
Classification: Uncertain significance for STING-associated vasculopathy with onset in infancy. Last evaluated: 2022-07-19. Review status: criteria provided, single submitter. Criteria: Invitae Variant Classification Sherloc (09022015). Collection method: clinical testing. Allele origin: germline.
Comment: This variant has not been reported in the literature in individuals affected with TMEM173-related conditions. This variant is present in population databases (no rsID available, gnomAD 0.007%). This sequence change falls in intron 7 of the TMEM173 gene. It does not directly change the encoded amino acid sequence of the TMEM173 protein. It affects a nucleotide within the consensus splice site. Variants that disrupt the consensus splice site are a relatively common cause of aberrant splicing (PMID: 17576681, 9536098). Algorithms developed to predict the effect of sequence changes on RNA splicing suggest that this variant may create or strengthen a splice site. In summary, the available evidence is currently insufficient to determine the role of this variant in disease. Therefore, it has been classified as a Variant of Uncertain Significance.

Literature cited by the submitters: PubMed 17576681; PubMed 9536098.